The following is an entry in ClinVar:

NM_004519.4(KCNQ3):c.1803T>G (p.Asn601Lys)

Gene: KCNQ3 (potassium voltage-gated channel subfamily Q member 3; minus strand). Cytogenetic location: 8q24.22.
Variant type: single nucleotide variant.
Coding change: c.1803T>G on transcript NM_004519.4 (MANE Select); coding-DNA position 1803, T replaced by G.
Protein change: p.Asn601Lys; replaces asparagine 601 with lysine.
Molecular consequence: missense variant.
Genome position (GRCh38, 1-based): chr8:132,132,261, A>C on the plus strand (T>G on the coding strand, the complement: KCNQ3 is on the minus strand). VCF-style: chr8-132132261-A-C. GRCh37 (hg19) VCF-style: chr8-133144508-A-C.
Other names: c.1443T>G, p.Asn481Lys (NM_001204824.2); short protein forms N481K, N601K.
Identifiers: ClinVar variation 1014603 (VCV001014603.8), dbSNP rs1469007568, ClinGen allele CA372217938.

ClinVar aggregate classification (germline): Uncertain significance (1 of 4 stars; one submission).

Conditions:
Benign neonatal seizures. Also called: Benign neonatal familial convulsions; Convulsions benign familial neonatal dominant form; Autosomal dominant form of benign neonatal seizures; Benign familial neonatal seizures; Benign familial neonatal epilepsy. Identifiers: Orphanet 1949, MedGen C0220669, MONDO:0016027.

Allele frequency attached by ClinVar (database versions not stated): TOPMed below 0.00001; gnomAD 0.00001; gnomAD exomes 0.00001.
gnomAD v4.1: 7 of 1,611,078 alleles (0.00043%); highest among the groups gnomAD compares: Non-Finnish European, 0.00059%; no homozygotes.

Submission:

Labcorp Genetics (formerly Invitae), Labcorp
Classification: Uncertain significance for Benign neonatal seizures. Last evaluated: 2020-09-09. Review status: criteria provided, single submitter. Criteria: Invitae Variant Classification Sherloc (09022015). Collection method: clinical testing. Allele origin: germline.
Comment: In summary, the available evidence is currently insufficient to determine the role of this variant in disease. Therefore, it has been classified as a Variant of Uncertain Significance. Algorithms developed to predict the effect of missense changes on protein structure and function (SIFT, PolyPhen-2, Align-GVGD) all suggest that this variant is likely to be tolerated, but these predictions have not been confirmed by published functional studies and their clinical significance is uncertain. This variant has not been reported in the literature in individuals with KCNQ3-related conditions. This variant is not present in population databases (ExAC no frequency). This sequence change replaces asparagine with lysine at codon 601 of the KCNQ3 protein (p.Asn601Lys). The asparagine residue is moderately conserved and there is a moderate physicochemical difference between asparagine and lysine.